The following is an entry in ClinVar:

NM_001942.4(DSG1):c.2696T>C (p.Ile899Thr)

Genes: DSG1 (desmoglein 1; plus strand), DSG1-AS1 (DSG1 antisense RNA 1; minus strand). Cytogenetic location: 18q12.1.
Variant type: single nucleotide variant.
Coding change: c.2696T>C on transcript NM_001942.4 (MANE Select); coding-DNA position 2696, T replaced by C.
Protein change: p.Ile899Thr; replaces isoleucine 899 with threonine.
Molecular consequence: missense variant.
Genome position (GRCh38, 1-based): chr18:31,354,892, T>C. VCF-style: chr18-31354892-T-C. GRCh37 (hg19) VCF-style: chr18-28934855-T-C.
Other names: short protein forms I899T.
Identifiers: ClinVar variation 3625500 (VCV003625500.2).

ClinVar aggregate classification (germline): Uncertain significance (1 of 4 stars; one submission).

gnomAD v4.1: 16 of 1,614,032 alleles (0.00099%); highest among the groups gnomAD compares: Admixed American, 0.005%; no homozygotes.

Submission:

Labcorp Genetics (formerly Invitae), Labcorp
Classification: Uncertain significance. Last evaluated: 2025-11-24. Review status: criteria provided, single submitter. Criteria: Invitae Variant Classification Sherloc (09022015). Collection method: clinical testing. Allele origin: germline.
Comment: This sequence change replaces isoleucine, which is neutral and non-polar, with threonine, which is neutral and polar, at codon 899 of the DSG1 protein (p.Ile899Thr). This variant is present in population databases (no rsID available, gnomAD 0.007%). This variant has not been reported in the literature in individuals affected with DSG1-related conditions. ClinVar contains an entry for this variant (Variation ID: 3625500). An algorithm developed to predict the effect of missense changes on protein structure and function (PolyPhen-2) suggests that this variant is likely to be disruptive. In summary, the available evidence is currently insufficient to determine the role of this variant in disease. Therefore, it has been classified as a Variant of Uncertain Significance.